The following is an entry in ClinVar:

ClinVar aggregate classification (germline): Uncertain significance. Review status: criteria provided, multiple submitters, no conflicts (2 of 4 stars). 2 submissions from 2 submitters: Uncertain significance (2). Last evaluated 2022-05-12.

Conditions:
Citrin deficiency. Identifiers: Orphanet 247582, MedGen C1997910, MONDO:0016602.
Citrullinemia type II. Also called: Citrullinemia Type II (CTLN2). Identifiers: Orphanet 247585, MedGen C1863844, MONDO:0016603.

Allele frequency attached by ClinVar (database versions not stated): gnomAD 0.00003 and 0.00004; gnomAD exomes 0.00004 and 0.00006; TOPMed 0.00006; ExAC 0.00007.
gnomAD v4.1: 72 of 1,613,884 alleles (0.0045%); highest among the groups gnomAD compares: Non-Finnish European, 0.0055%; no homozygotes.

Submissions (2):

Labcorp Genetics (formerly Invitae), Labcorp
Classification: Uncertain significance for Citrin deficiency. Last evaluated: 2022-05-12. Review status: criteria provided, single submitter. Criteria: Invitae Variant Classification Sherloc (09022015). Collection method: clinical testing. Allele origin: germline.
Comment: This sequence change replaces glutamic acid, which is acidic and polar, with lysine, which is basic and polar, at codon 141 of the SLC25A13 protein (p.Glu141Lys). This variant is present in population databases (rs1131697, gnomAD 0.01%). This variant has not been reported in the literature in individuals affected with SLC25A13-related conditions. ClinVar contains an entry for this variant (Variation ID: 361026). Advanced modeling of protein sequence and biophysical properties (such as structural, functional, and spatial information, amino acid conservation, physicochemical variation, residue mobility, and thermodynamic stability) performed at Invitae indicates that this missense variant is not expected to disrupt SLC25A13 protein function. In summary, the available evidence is currently insufficient to determine the role of this variant in disease. Therefore, it has been classified as a Variant of Uncertain Significance.

Illumina Laboratory Services, Illumina
Classification: Uncertain significance for Citrullinemia, type II, adult-onset. Last evaluated: 2018-01-13. Review status: criteria provided, single submitter. Criteria: ICSL Variant Classification Criteria 13 December 2019. Collection method: clinical testing. Allele origin: germline.

NM_014251.3(SLC25A13):c.421G>A (p.Glu141Lys)

Gene: SLC25A13 (solute carrier family 25 member 13; minus strand). Cytogenetic location: 7q21.3.
Variant type: single nucleotide variant.
Coding change: c.421G>A on transcript NM_014251.3 (MANE Select); coding-DNA position 421, G replaced by A.
Protein change: p.Glu141Lys; replaces glutamic acid 141 with lysine.
Molecular consequence: missense variant. On other transcripts: non-coding transcript variant (1).
Genome position (GRCh38, 1-based): chr7:96,208,885, C>T on the plus strand (G>A on the coding strand, the complement: SLC25A13 is on the minus strand). VCF-style: chr7-96208885-C-T. GRCh37 (hg19) VCF-style: chr7-95838197-C-T.
Other names: c.421G>A, p.Glu141Lys (NM_001160210.2); short protein forms E141K.
Identifiers: ClinVar variation 361026 (VCV000361026.8), dbSNP rs1131697, ClinGen allele CA4353275.